The following is an entry in ClinVar:

NM_006904.7(PRKDC):c.11713G>A (p.Ala3905Thr)

Gene: PRKDC (protein kinase, DNA-activated, catalytic subunit; minus strand). Cytogenetic location: 8q11.21.
Variant type: single nucleotide variant.
Coding change: c.11713G>A on transcript NM_006904.7 (MANE Select); coding-DNA position 11713, G replaced by A.
Protein change: p.Ala3905Thr; replaces alanine 3905 with threonine.
Molecular consequence: missense variant.
Genome position (GRCh38, 1-based): chr8:47,778,599, C>T on the plus strand (G>A on the coding strand, the complement: PRKDC is on the minus strand). VCF-style: chr8-47778599-C-T. GRCh37 (hg19) VCF-style: chr8-48691160-C-T.
Other names: c.11620G>A, p.Ala3874Thr (NM_001081640.2); short protein forms A3874T, A3905T.
Identifiers: ClinVar variation 1516934 (VCV001516934.3), dbSNP rs762000221, ClinGen allele CA4739002.

ClinVar aggregate classification (germline): Uncertain significance (1 of 4 stars; one submission).

Conditions:
Severe combined immunodeficiency due to DNA-PKcs deficiency. Also called: IMMUNODEFICIENCY 26 WITH NEUROLOGIC ABNORMALITIES; Immunodeficiency 26 with or without neurologic abnormalities. Identifiers: Orphanet 317425, MedGen C4014833, MONDO:0014423, OMIM 615966.

Allele frequency attached by ClinVar (database versions not stated): gnomAD 0.00001; TOPMed 0.00001; gnomAD exomes 0.00002; ExAC 0.00003.
gnomAD v4.1: 19 of 1,613,542 alleles (0.0012%); highest among the groups gnomAD compares: South Asian, 0.0055%; no homozygotes.

Submission:

Labcorp Genetics (formerly Invitae), Labcorp
Classification: Uncertain significance for Severe combined immunodeficiency due to DNA-PKcs deficiency. Last evaluated: 2021-11-16. Review status: criteria provided, single submitter. Criteria: Invitae Variant Classification Sherloc (09022015). Collection method: clinical testing. Allele origin: germline.
Comment: This sequence change replaces alanine, which is neutral and non-polar, with threonine, which is neutral and polar, at codon 3905 of the PRKDC protein (p.Ala3905Thr). This variant is present in population databases (rs762000221, gnomAD 0.007%). This variant has not been reported in the literature in individuals affected with PRKDC-related conditions. Experimental studies and prediction algorithms are not available or were not evaluated, and the functional significance of this variant is currently unknown. In summary, the available evidence is currently insufficient to determine the role of this variant in disease. Therefore, it has been classified as a Variant of Uncertain Significance.